The following is an entry in ClinVar:

NM_001401501.2(MUC16):c.44165T>G (p.Leu14722Trp)

Gene: MUC16 (mucin 16, cell surface associated; minus strand). Cytogenetic location: 19p13.2.
Variant type: single nucleotide variant.
Coding change: c.44165T>G on transcript NM_001401501.2 (MANE Select); coding-DNA position 44165, T replaced by G.
Protein change: p.Leu14722Trp; replaces leucine 14722 with tryptophan.
Molecular consequence: missense variant.
Genome position (GRCh38, 1-based): chr19:8,882,774, A>C on the plus strand (T>G on the coding strand, the complement: MUC16 is on the minus strand). VCF-style: chr19-8882774-A-C. GRCh37 (hg19) VCF-style: chr19-8993450-A-C.
Other names: c.44591T>G, p.Leu14864Trp (NM_001414686.1); c.44045T>G, p.Leu14682Trp (NM_001414687.1); c.41639T>G, p.Leu13880Trp (NM_024690.2); short protein forms L13880W, L14682W, L14722W, L14864W.
Identifiers: ClinVar variation 3042351 (VCV003042351.2), dbSNP rs796290489, ClinGen allele CA305056002.
Genomic context (GRCh38, chr19:8,882,774, plus strand): 5'-TCCCTGTCCAGTGTGTAGGGGCCCAGCTCAGTGATGCTGTGGGTCAGCTGGCTCAGCTCC[A>C]AATACAGCTGCTCTCTGTCCAGCCCAGGGCCTGTGGGGTCAGGGCGGTGGGTGCAGATGG-3'
Protein context (NP_001388430.1, residues 14712-14732): GPGLDREQLY[Leu14722Trp]ELSQLTHSIT

ClinVar aggregate classification (germline): Benign (0 of 4 stars; one submission).

Conditions:
MUC16-related disorder. Also called: MUC16-related condition.

Allele frequency attached by ClinVar (database versions not stated): 1000 Genomes Project 30x 0.14631.

Submission:

PreventionGenetics, part of Exact Sciences
Classification: Benign for MUC16-related condition. Last evaluated: 2019-04-11. Review status: no assertion criteria provided. Collection method: clinical testing. Allele origin: germline.
Comment: This variant is classified as benign based on ACMG/AMP sequence variant interpretation guidelines (Richards et al. 2015 PMID: 25741868, with internal and published modifications).